The following is an entry in ClinVar:

ClinVar aggregate classification (germline): Uncertain significance. Review status: criteria provided, multiple submitters, no conflicts (2 of 4 stars). 3 submissions from 3 submitters: Uncertain significance (3). Last evaluated 2026-08-06.

Conditions:
Mucopolysaccharidosis, MPS-IV-B (MPS4B). Also called: Mucopolysaccharidosis Type IVB; Mucopolysaccharidosis Type IVB (Morquio B Disease); MORQUIO SYNDROME B; Mucopolysaccharidosis type IV B; Mucopolysaccharidosis type 4B; Mucopolysaccharidosis type IVB (Morquio). Identifiers: Orphanet 309310, Orphanet 582, MedGen C0086652, MONDO:0009660, OMIM 253010.
GM1 gangliosidosis. Identifiers: Orphanet 354, MedGen C0085131, MONDO:0018149.

gnomAD v4.1: 27 of 1,612,074 alleles (0.0017%); highest among the groups gnomAD compares: Middle Eastern, 0.016%; no homozygotes.

Submissions (3):

OLLIN Analises Genomicas, OLLIN
Classification: Uncertain significance for Mucopolysaccharidosis, MPS-IV-B. Last evaluated: 2026-08-06. Review status: criteria provided, single submitter. Criteria: ACMG Guidelines 2015 PMID 25741868. Collection method: clinical testing. Allele origin: germline. Inheritance: Autosomal recessive inheritance.
Comment: This missense variant, located in exon 1 (of 16), has been reported in ClinVar (accession VCV002084657.10) and in gnomAD with an allele frequency of 0.0017%. However, to our knowledge, it has not been reported in the scientific literature. In silico analysis is inconclusive regarding the impact of this variant. According to the currently available evidence, this variant has been classified as uncertain significance (PM2_P).

CeGaT Center for Human Genetics Tuebingen
Classification: Uncertain significance. Last evaluated: 2025-06-01. Review status: criteria provided, single submitter. Criteria: CeGaT Center For Human Genetics Tuebingen Variant Classification Criteria Version 2. Collection method: clinical testing. Allele origin: germline. Affected: yes. Observed: 1 variant allele.
Comment: GLB1: PM2

Labcorp Genetics (formerly Invitae), Labcorp
Classification: Uncertain significance for Mucopolysaccharidosis, MPS-IV-B; GM1 gangliosidosis. Last evaluated: 2022-08-16. Review status: criteria provided, single submitter. Criteria: Invitae Variant Classification Sherloc (09022015). Collection method: clinical testing. Allele origin: germline.
Comment: This sequence change replaces glycine, which is neutral and non-polar, with aspartic acid, which is acidic and polar, at codon 23 of the GLB1 protein (p.Gly23Asp). This variant is present in population databases (rs755668722, gnomAD 0.007%). This variant has not been reported in the literature in individuals affected with GLB1-related conditions. Advanced modeling of protein sequence and biophysical properties (such as structural, functional, and spatial information, amino acid conservation, physicochemical variation, residue mobility, and thermodynamic stability) performed at Invitae indicates that this missense variant is not expected to disrupt GLB1 protein function. In summary, the available evidence is currently insufficient to determine the role of this variant in disease. Therefore, it has been classified as a Variant of Uncertain Significance.

NM_000404.4(GLB1):c.68G>A (p.Gly23Asp)

Genes: TMPPE (transmembrane protein with metallophosphoesterase domain; minus strand), GLB1 (galactosidase beta 1; minus strand), LOC129936434 (ATAC-STARR-seq lymphoblastoid silent region 14182; plus strand). Cytogenetic location: 3p22.3.
Variant type: single nucleotide variant.
Coding change: c.68G>A on transcript NM_000404.4 (MANE Select); coding-DNA position 68, G replaced by A.
Protein change: p.Gly23Asp; replaces glycine 23 with aspartic acid.
Molecular consequence: missense variant. On other transcripts: 5 prime UTR variant (2).
Genome position (GRCh38, 1-based): chr3:33,097,018, C>T on the plus strand (G>A on the coding strand, the complement: GLB1 is on the minus strand). VCF-style: chr3-33097018-C-T. GRCh37 (hg19) VCF-style: chr3-33138510-C-T.
Other names: c.68G>A, p.Gly23Asp (NM_001135602.3, NM_001317040.2, NM_001393580.1); c.-408G>A (NM_001039770.3); c.-304G>A (NM_001136238.2); short protein forms G23D.
Identifiers: ClinVar variation 2084657 (VCV002084657.12), dbSNP rs755668722, ClinGen allele CA2300125.